The following is an entry in ClinVar:

ClinVar aggregate classification (germline): Uncertain significance (1 of 4 stars; one submission).

Conditions:
Cardiovascular phenotype. Identifiers: MedGen CN230736.

Submission:

Ambry Genetics
Classification: Uncertain significance for Cardiovascular phenotype. Last evaluated: 2023-07-18. Review status: criteria provided, single submitter. Criteria: Ambry Variant Classification Scheme 2023. Collection method: clinical testing. Allele origin: germline.
Comment: The p.C982W variant (also known as c.2946C>G), located in coding exon 24 of the ABCC9 gene, results from a C to G substitution at nucleotide position 2946. The cysteine at codon 982 is replaced by tryptophan, an amino acid with highly dissimilar properties. This amino acid position is highly conserved in available vertebrate species. In addition, this alteration is predicted to be deleterious by in silico analysis. Since supporting evidence is limited at this time, the clinical significance of this alteration remains unclear.

NM_020297.4(ABCC9):c.2946C>G (p.Cys982Trp)

Gene: ABCC9 (ATP binding cassette subfamily C member 9; minus strand). Cytogenetic location: 12p12.1.
Variant type: single nucleotide variant.
Coding change: c.2946C>G on transcript NM_020297.4 (MANE Select); coding-DNA position 2946, C replaced by G.
Protein change: p.Cys982Trp; replaces cysteine 982 with tryptophan.
Molecular consequence: missense variant.
Genome position (GRCh38, 1-based): chr12:21,845,753, G>C on the plus strand (C>G on the coding strand, the complement: ABCC9 is on the minus strand). VCF-style: chr12-21845753-G-C. GRCh37 (hg19) VCF-style: chr12-21998687-G-C.
Other names: c.2946C>G, p.Cys982Trp (NM_001377273.1, NM_005691.4); c.2079C>G, p.Cys693Trp (NM_001377274.1); short protein forms C982W, C693W.
Identifiers: ClinVar variation 2625275 (VCV002625275.2), dbSNP rs1236316550, ClinGen allele CA384120320.